The following is an entry in ClinVar:

NM_001114753.3(ENG):c.799_804del (p.His267_Asn268del)

Gene: ENG (endoglin; minus strand). Cytogenetic location: 9q34.11.
Variant type: Deletion.
Coding change: c.799_804del on transcript NM_001114753.3 (MANE Select); coding-DNA positions 799 to 804, 6 bases deleted (CACAAC; older notation c.799_804delCACAAC).
Protein change: p.His267_Asn268del.
Molecular consequence: inframe deletion. On other transcripts: inframe indel (2).
Genome position (GRCh38, 1-based): chr9:127,825,243-127,825,248, GTTGTG deleted on the plus strand (CACAAC on the coding strand, the reverse complement: ENG is on the minus strand); deleting any 6 consecutive bases within chr9:127,825,243-127,825,252 gives the same sequence; the c. name uses the placement nearest the transcript's 3' end. VCF-style (leftmost placement, unchanged base first): chr9-127825242-TGTTGTG-T. GRCh37 (hg19) VCF-style: chr9-130587521-TGTTGTG-T.
Other names: c.799_804delCACAAC (NM_000118.3); c.795_800delCAACCA, p.His267_Asn268del (NM_000118.4, NM_001406715.1); c.253_258del, p.His85_Asn86del (NM_001278138.2).
Identifiers: ClinVar variation 661515 (VCV000661515.10), dbSNP rs1588581812, ClinGen allele CA915947174.
Genomic context (GRCh38, chr9:127,825,242, plus strand): 5'-AGAGGTTGGGAGTTTGGGTTTTGTGTCCCGGGAGCTGCGCACAACTCACCCAGATCTGCA[TGTTGTG>T]GTTGGCGTCGATGAGCCAGGACACGTAGGGGGGACCCTGCAGGATGAGGACGGCATCGAG-3'

ClinVar aggregate classification (germline): Uncertain significance. Review status: criteria provided, multiple submitters, no conflicts (2 of 4 stars). 2 submissions from 2 submitters: Uncertain significance (2). Last evaluated 2024-05-15.

Conditions:
Hereditary hemorrhagic telangiectasia (HHT). Also called: ORW DISEASE; Osler Weber Rendu syndrome; OSLER-RENDU-WEBER DISEASE; Osler hemorrhagic telangiectasia syndrome. Identifiers: Orphanet 774, MedGen C0039445, MONDO:0019180. Disease mechanism: loss of function.
Telangiectasia, hereditary hemorrhagic, type 1 (HHT1). Also called: Osler Weber Rendu syndrome type 1; ENG-Related Hereditary Hemorrhagic Telangiectasia. Identifiers: Orphanet 774, MedGen C4551861, MONDO:0008535, OMIM 187300. Disease mechanism: loss of function.

Submissions (2):

ARUP Laboratories, Molecular Genetics and Genomics, ARUP Laboratories
Classification: Uncertain significance for Telangiectasia, hereditary hemorrhagic, type 1. Last evaluated: 2024-05-15. Review status: criteria provided, single submitter. Criteria: ARUP Molecular Germline Variant Investigation Process 2024. Collection method: clinical testing. Allele origin: germline.
Comment: The ENG c.799_804del; p.His267_Asn268del variant (rs1588581812), to our knowledge, is not reported in the medical literature but is reported in ClinVar (Variation ID: 661515). This variant is absent from the Genome Aggregation Database (v2.1.1), indicating it is not a common polymorphism. This variant deletes two amino acids leaving the rest of the protein in-frame. Due to limited information, the clinical significance of this variant is uncertain at this time.

Labcorp Genetics (formerly Invitae), Labcorp
Classification: Uncertain significance for Hereditary hemorrhagic telangiectasia. Last evaluated: 2018-07-05. Review status: criteria provided, single submitter. Criteria: Invitae Variant Classification Sherloc (09022015). Collection method: clinical testing. Allele origin: germline.
Comment: This variant has not been reported in the literature in individuals with ENG-related disease. In summary, the available evidence is currently insufficient to determine the role of this variant in disease. Therefore, it has been classified as a Variant of Uncertain Significance. Experimental studies and prediction algorithms are not available for this variant, and the functional significance of the deleted amino acids is currently unknown. This variant is not present in population databases (ExAC no frequency). This variant, c.799_804delCACAAC, results in the deletion of 2 amino acids of the ENG protein (p.His267_Asn268del), but otherwise preserves the integrity of the reading frame.